The following is an entry in ClinVar:

NM_004168.4(SDHA):c.-3G>C

Gene: SDHA (succinate dehydrogenase complex flavoprotein subunit A; plus strand). Cytogenetic location: 5p15.33.
Variant type: single nucleotide variant.
Coding change: c.-3G>C on transcript NM_004168.4 (MANE Select); 3 bases upstream of the start codon, G replaced by C.
Molecular consequence: 5 prime UTR variant.
Genome position (GRCh38, 1-based): chr5:218,353, G>C. VCF-style: chr5-218353-G-C. GRCh37 (hg19) VCF-style: chr5-218468-G-C.
Other names: c.-3G>C (NM_001294332.2, NM_001330758.2).
Identifiers: ClinVar variation 824486 (VCV000824486.6), dbSNP rs1553996340, ClinGen allele CA915943296.

ClinVar aggregate classification (germline): Uncertain significance (1 of 4 stars; one submission).

Conditions:
Hereditary cancer-predisposing syndrome. Also called: Neoplastic Syndromes, Hereditary; Tumor predisposition; Hereditary neoplastic syndrome; Hereditary Cancer Syndrome. Identifiers: Orphanet 140162, MedGen C0027672, MeSH D009386, MONDO:0015356.

Submission:

Ambry Genetics
Classification: Uncertain significance for Hereditary cancer-predisposing syndrome. Last evaluated: 2025-06-04. Review status: criteria provided, single submitter. Criteria: Ambry Variant Classification Scheme 2023. Collection method: clinical testing. Allele origin: germline.
Comment: The c.-3G>C variant is located in the 5' untranslated region (5&rsquo; UTR) of the SDHA gene. This variant results from a G to C substitution 3 bases upstream from the first translated codon. This nucleotide position is not well conserved in available vertebrate species. Since supporting evidence is limited at this time, the clinical significance of this alteration remains unclear.